The following is an entry in ClinVar:

ClinVar aggregate classification (germline): Pathogenic (1 of 4 stars; one submission).

Conditions:
Familial cancer of breast. Also called: Hereditary breast cancer; hereditary breast carcinoma; BREAST CANCER, FAMILIAL. Identifiers: Orphanet 227535, MedGen C0346153, MONDO:0016419, OMIM 114480. Disease mechanism: loss of function.

Submission:

Labcorp Genetics (formerly Invitae), Labcorp
Classification: Pathogenic for Familial cancer of breast. Last evaluated: 2024-04-29. Review status: criteria provided, single submitter. Criteria: Invitae Variant Classification Sherloc (09022015). Collection method: clinical testing. Allele origin: germline.
Comment: This sequence change creates a premature translational stop signal (p.Thr533Leufs*28) in the PALB2 gene. It is expected to result in an absent or disrupted protein product. Loss-of-function variants in PALB2 are known to be pathogenic (PMID: 17200668, 17200671, 17200672, 24136930, 25099575). This variant is not present in population databases (gnomAD no frequency). This variant has not been reported in the literature in individuals affected with PALB2-related conditions. ClinVar contains an entry for this variant (Variation ID: 1453433). For these reasons, this variant has been classified as Pathogenic.

Literature cited by the submitters: PubMed 17200668; PubMed 17200671; PubMed 17200672; PubMed 24136930; PubMed 25099575.

NM_024675.4(PALB2):c.1597del (p.Thr533fs)

Gene: PALB2 (partner and localizer of BRCA2; minus strand). Cytogenetic location: 16p12.2.
Variant type: Deletion.
Coding change: c.1597del on transcript NM_024675.4 (MANE Select); coding-DNA position 1597, one base deleted (A; older notation c.1597delA).
Protein change: p.Thr533fs; shifts the reading frame from threonine 533.
Molecular consequence: frameshift variant.
Genome position (GRCh38, 1-based): chr16:23,634,949, T deleted on the plus strand (A on the coding strand, the reverse complement: PALB2 is on the minus strand); the first of 2 consecutive T bases (chr16:23,634,949-23,634,950); deleting either gives the same sequence. VCF-style (leftmost placement, unchanged base first): chr16-23634948-GT-G. GRCh37 (hg19) VCF-style: chr16-23646269-GT-G.
Other names: short protein forms T533fs.
Identifiers: ClinVar variation 1453433 (VCV001453433.7), dbSNP rs2142411591, ClinGen allele CA2573152166.